The following is an entry in ClinVar:

NM_001142784.3(IL11RA):c.811-2A>G

Gene: IL11RA (interleukin 11 receptor subunit alpha; plus strand). Cytogenetic location: 9p13.3.
Variant type: single nucleotide variant.
Coding change: c.811-2A>G on transcript NM_001142784.3 (MANE Select); the canonical splice acceptor site of the intron before coding-DNA position 811, A replaced by G.
Molecular consequence: splice acceptor variant.
Genome position (GRCh38, 1-based): chr9:34,659,757, A>G. VCF-style: chr9-34659757-A-G. GRCh37 (hg19) VCF-style: chr9-34659754-A-G.
Other names: NC_000009.11:g.34659754A>G.
Identifiers: ClinVar variation 4356123 (VCV004356123.3).
Genomic context (GRCh38, chr9:34,659,757, plus strand): 5'-ATGGTGGCTGGGAAGGCCCTGCACTTACAAGCTGGGTAACAGTGAGTCATGTTTACCCCC[A>G]GGTGGAGCCAGCTGGACTGGAGGAGGTGATCACAGATGCTGTGGCTGGGCTGCCCCATGC-3'

ClinVar aggregate classification (germline): Likely pathogenic (1 of 4 stars; one submission).

Conditions:
Craniosynostosis and dental anomalies (CRSDA). Also called: KREIBORG-PAKISTANI SYNDROME. Identifiers: Orphanet 284149, MedGen C3280073, MONDO:0013615, OMIM 614188.

gnomAD v4.1: 4 of 1,614,174 alleles (0.00025%); highest among the groups gnomAD compares: East Asian, 0.0089%; no homozygotes.

Submissions (2):

Juno Genomics, Hangzhou Juno Genomics, Inc
Classification: Likely pathogenic for Craniosynostosis and dental anomalies. Review status: criteria provided, single submitter. Criteria: ACMG Guidelines, 2015. Collection method: clinical testing. Allele origin: germline.
Comment: Null variant in a gene where loss of function (LOF) is a known mechanism of disease.;Absent from controls (or at extremely low frequency if recessive) in Genome Aggregation Database.

Dr. Peter K. Rogan Lab, Western University
No classification provided (evidence only). Condition: Thyroid cancer, nonmedullary, 1. Review status: no classification provided. Collection method: in vitro. Allele origin: not applicable. Functional consequence: retained intron. Not counted in ClinVar's aggregate classification.